The following is an entry in ClinVar:

NM_004341.5(CAD):c.6253C>T (p.Arg2085Cys)

Genes: CAD (carbamoyl-phosphate synthetase 2, aspartate transcarbamylase, and dihydroorotase; plus strand), LOC126806172 (CDK7 strongly-dependent group 2 enhancer GRCh37_chr2:27465505-27466704; plus strand). Cytogenetic location: 2p23.3.
Variant type: single nucleotide variant.
Coding change: c.6253C>T on transcript NM_004341.5 (MANE Select); coding-DNA position 6253, C replaced by T.
Protein change: p.Arg2085Cys; replaces arginine 2085 with cysteine.
Molecular consequence: missense variant.
Genome position (GRCh38, 1-based): chr2:27,242,650, C>T. VCF-style: chr2-27242650-C-T. GRCh37 (hg19) VCF-style: chr2-27465518-C-T.
Other names: c.6064C>T, p.Arg2022Cys (NM_001306079.2); short protein forms R2085C, R2022C.
Identifiers: ClinVar variation 1388858 (VCV001388858.5), dbSNP rs376465227, ClinGen allele CA1574157.
Genomic context (GRCh38, chr2:27,242,650, plus strand): 5'-ATCCCTGTGGTGACTGGATTCCTCTCCTAGATCACGATGGTGGGTGACCTGAAGCACGGA[C>T]GCACAGTACATTCCCTGGCCTGCCTGCTCACCCAGTATCGTGTCAGCCTGCGCTACGTGG-3'
Protein context (NP_004332.2, residues 2075-2095): ITMVGDLKHG[Arg2085Cys]TVHSLACLLT

ClinVar aggregate classification (germline): Uncertain significance. Review status: criteria provided, multiple submitters, no conflicts (2 of 4 stars). 2 submissions from 2 submitters: Uncertain significance (2). Last evaluated 2024-09-10.

Conditions:
Developmental and epileptic encephalopathy, 50 (DEE50). Also called: Epileptic encephalopathy, early infantile, 50. Identifiers: Orphanet 448010, MedGen C4225320, MONDO:0014647, OMIM 616457.

Allele frequency attached by ClinVar (database versions not stated): TOPMed 0.00001; gnomAD 0.00002; ESP Exome Variant Server 0.00008; gnomAD exomes below 0.00001; ExAC 0.00001.
gnomAD v4.1: 8 of 1,608,334 alleles (0.0005%); highest among the groups gnomAD compares: African/African-American, 0.0027%; no homozygotes.

Submissions (2):

Institute of Human Genetics, Cologne University
Classification: Uncertain significance for Developmental and epileptic encephalopathy, 50. Last evaluated: 2024-09-10. Review status: criteria provided, single submitter. Criteria: ACMG Guidelines, 2015. Collection method: clinical testing. Allele origin: paternal.

Labcorp Genetics (formerly Invitae), Labcorp
Classification: Uncertain significance. Last evaluated: 2022-07-19. Review status: criteria provided, single submitter. Criteria: Invitae Variant Classification Sherloc (09022015). Collection method: clinical testing. Allele origin: germline.
Comment: In summary, the available evidence is currently insufficient to determine the role of this variant in disease. Therefore, it has been classified as a Variant of Uncertain Significance. Algorithms developed to predict the effect of missense changes on protein structure and function (SIFT, PolyPhen-2, Align-GVGD) all suggest that this variant is likely to be disruptive. ClinVar contains an entry for this variant (Variation ID: 1388858). This variant has not been reported in the literature in individuals affected with CAD-related conditions. This variant is present in population databases (rs376465227, gnomAD 0.0009%). This sequence change replaces arginine, which is basic and polar, with cysteine, which is neutral and slightly polar, at codon 2085 of the CAD protein (p.Arg2085Cys).